The following is an entry in ClinVar:

ClinVar aggregate classification (germline): Uncertain significance (1 of 4 stars; one submission).

Conditions:
Inborn genetic diseases. Identifiers: MedGen C0950123, MeSH D030342.

Submission:

Ambry Genetics
Classification: Uncertain significance for Inborn genetic diseases. Last evaluated: 2024-11-21. Review status: criteria provided, single submitter. Criteria: Ambry Variant Classification Scheme 2023. Collection method: clinical testing. Allele origin: germline.
Comment: The p.F259S variant (also known as c.776T>C), located in coding exon 7 of the USB1 gene, results from a T to C substitution at nucleotide position 776. The phenylalanine at codon 259 is replaced by serine, an amino acid with highly dissimilar properties. This amino acid position is conserved. In addition, the in silico prediction for this alteration is inconclusive. Based on the available evidence, the clinical significance of this variant remains unclear.

NM_024598.4(USB1):c.776T>C (p.Phe259Ser)

Gene: USB1 (U6 snRNA biogenesis phosphodiesterase 1; plus strand). Cytogenetic location: 16q21.
Variant type: single nucleotide variant.
Coding change: c.776T>C on transcript NM_024598.4 (MANE Select); coding-DNA position 776, T replaced by C.
Protein change: p.Phe259Ser; replaces phenylalanine 259 with serine.
Molecular consequence: missense variant.
Genome position (GRCh38, 1-based): chr16:58,020,223, T>C. VCF-style: chr16-58020223-T-C. GRCh37 (hg19) VCF-style: chr16-58054127-T-C.
Other names: c.722T>C, p.Phe241Ser (NM_001195302.2); c.623T>C, p.Phe208Ser (NM_001330568.2); short protein forms F208S, F259S, F241S.
Identifiers: ClinVar variation 3466467 (VCV003466467.1).